The following is an entry in ClinVar:

NM_000432.4(MYL2):c.488A>C (p.Glu163Ala)

Gene: MYL2 (myosin light chain 2; minus strand). Cytogenetic location: 12q24.11.
Variant type: single nucleotide variant.
Coding change: c.488A>C on transcript NM_000432.4 (MANE Select); coding-DNA position 488, A replaced by C.
Protein change: p.Glu163Ala; replaces glutamic acid 163 with alanine.
Molecular consequence: missense variant.
Genome position (GRCh38, 1-based): chr12:110,911,090, T>G on the plus strand (A>C on the coding strand, the complement: MYL2 is on the minus strand). VCF-style: chr12-110911090-T-G. GRCh37 (hg19) VCF-style: chr12-111348894-T-G.
Other names: short protein forms E163A.
Identifiers: ClinVar variation 43480 (VCV000043480.14), dbSNP rs397516407, ClinGen allele CA010447.

ClinVar aggregate classification (germline): Conflicting classifications of pathogenicity. Review status: criteria provided, conflicting classifications (1 of 4 stars). 3 submissions from 3 submitters: Pathogenic (1); Likely pathogenic (1); Uncertain significance (1). Last evaluated 2025-11-08.

Conditions:
Hypertrophic cardiomyopathy 10. Also called: CARDIOMYOPATHY, HYPERTROPHIC, MID-LEFT VENTRICULAR CHAMBER TYPE, 2; MYL2-Related Familial Hypertrophic Cardiomyopathy. Identifiers: MedGen C1834460, MONDO:0012112, OMIM 608758.
Hypertrophic cardiomyopathy. Also called: HYPERTROPHIC MYOCARDIOPATHY. Identifiers: Orphanet 217569, MedGen C0007194, MeSH D002312, MONDO:0005045, HP:0001639.

Submissions (3):

Labcorp Genetics (formerly Invitae), Labcorp
Classification: Pathogenic for Hypertrophic cardiomyopathy 10. Last evaluated: 2025-11-08. Review status: criteria provided, single submitter. Criteria: Invitae Variant Classification Sherloc (09022015). Collection method: clinical testing. Allele origin: germline.
Comment: This sequence change replaces glutamic acid, which is acidic and polar, with alanine, which is neutral and non-polar, at codon 163 of the MYL2 protein (p.Glu163Ala). This variant is not present in population databases (gnomAD no frequency). This missense change has been observed in individuals with hypertrophic cardiomyopathy (PMID: 24793961). ClinVar contains an entry for this variant (Variation ID: 43480). An algorithm developed specifically for the MYL2 gene suggests that this missense change is likely to be deleterious (PMID: 21310275). This variant disrupts the p.Glu163 amino acid residue in MYL2. Other variant(s) that disrupt this residue have been determined to be pathogenic (PMID: 36128439). This suggests that this residue is clinically significant, and that variants that disrupt this residue are likely to be disease-causing. For these reasons, this variant has been classified as Pathogenic.

Women's Health and Genetics/Laboratory Corporation of America, LabCorp
Classification: Uncertain significance. Last evaluated: 2019-07-01. Review status: criteria provided, single submitter. Criteria: LabCorp Variant Classification Summary - May 2015. Collection method: clinical testing. Allele origin: germline.
Comment: Variant summary: MYL2 c.488A>C (p.Glu163Ala) results in a non-conservative amino acid change located in the EF-hand domain (IPR002048) of the encoded protein sequence. Three of five in-silico tools predict a damaging effect of the variant on protein function. The variant was absent in 249808 control chromosomes. c.488A>C has been reported in the literature in at-least two individuals affected with Hypertrophic Cardiomyopathy (Bos_2014). These data indicate that the variant may be associated with disease. To our knowledge, no experimental evidence demonstrating an impact on protein function has been reported. One clinical diagnostic laboratory has submitted clinical-significance assessments for this variant to ClinVar after 2014 without evidence for independent evaluation and classified the variant as likely pathogenic. Another submitter in ClinVar prior to 2014 states that the variant was observed in two individuals with HCM at their laboratory, however contradicts this by reporting no occurrences in individuals with HCM in a database produced by their institution (Atlas of Cardiac Genetic Variation). Based on the evidence outlined above, the variant was classified as VUS-possibly pathogenic.

Laboratory for Molecular Medicine, Mass General Brigham Personalized Medicine
Classification: Likely pathogenic for Hypertrophic cardiomyopathy. Last evaluated: 2013-02-11. Review status: criteria provided, single submitter. Criteria: LMM Criteria. Collection method: clinical testing. Allele origin: germline. Inheritance: Autosomal dominant inheritance. Observed: 2 variant alleles.
Comment: The Glu163Ala variant in MYL2 has not been reported in the literature, but has b een identified by our laboratory in 2 individuals with HCM (LMM unpublished data ). This variant has not been identified in large and broad European American and African American populations by the NHLBI Exome Sequencing Project (.), which increases the likelihood that the variant is patho genic. However, we cannot exclude that it may be common in other populations. Gl utamic acid (Glu) at position 163 is highly conserved in mammals and across evol utionarily distant species and the change to alanine (Ala) was predicted to be p athogenic using a computational tool clinically validated by our laboratory. Thi s tool's pathogenic prediction is estimated to be correct 94% of the time (Jorda n 2011). In summary, this variant is likely to be pathogenic, though additional studies are required to fully establish its clinical significance.

Literature cited by the submitters: PubMed 24793961 (cited by Labcorp Genetics (formerly Invitae), Labcorp and Women's Health and Genetics/Laboratory Corporation of America, LabCorp); PubMed 21310275 (cited by Labcorp Genetics (formerly Invitae), Labcorp); PubMed 36128439 (cited by Labcorp Genetics (formerly Invitae), Labcorp).